The following is an entry in ClinVar:

NM_001384732.1(CPLANE1):c.5503G>A (p.Ala1835Thr)

Gene: CPLANE1 (ciliogenesis and planar polarity effector complex subunit 1; minus strand). Cytogenetic location: 5p13.2.
Variant type: single nucleotide variant.
Coding change: c.5503G>A on transcript NM_001384732.1 (MANE Select); coding-DNA position 5503, G replaced by A.
Protein change: p.Ala1835Thr; replaces alanine 1835 with threonine.
Molecular consequence: missense variant.
Genome position (GRCh38, 1-based): chr5:37,180,924, C>T on the plus strand (G>A on the coding strand, the complement: CPLANE1 is on the minus strand). VCF-style: chr5-37180924-C-T. GRCh37 (hg19) VCF-style: chr5-37181026-C-T.
Other names: c.5503G>A, p.Ala1835Thr (NM_023073.4); short protein forms A1835T.
Identifiers: ClinVar variation 1464521 (VCV001464521.6), dbSNP rs2151112943, ClinGen allele CA359490958.

ClinVar aggregate classification (germline): Uncertain significance (1 of 4 stars; one submission).

Submission:

Labcorp Genetics (formerly Invitae), Labcorp
Classification: Uncertain significance. Last evaluated: 2022-07-05. Review status: criteria provided, single submitter. Criteria: Invitae Variant Classification Sherloc (09022015). Collection method: clinical testing. Allele origin: germline.
Comment: In summary, the available evidence is currently insufficient to determine the role of this variant in disease. Therefore, it has been classified as a Variant of Uncertain Significance. Advanced modeling of protein sequence and biophysical properties (such as structural, functional, and spatial information, amino acid conservation, physicochemical variation, residue mobility, and thermodynamic stability) performed at Invitae indicates that this missense variant is not expected to disrupt CPLANE1 protein function. ClinVar contains an entry for this variant (Variation ID: 1464521). This variant has not been reported in the literature in individuals affected with CPLANE1-related conditions. This variant is not present in population databases (gnomAD no frequency). This sequence change replaces alanine, which is neutral and non-polar, with threonine, which is neutral and polar, at codon 1835 of the CPLANE1 protein (p.Ala1835Thr).